The following is an entry in ClinVar:

NM_003850.3(SUCLA2):c.91-246_91-245del

Gene: SUCLA2 (succinate-CoA ligase ADP-forming subunit beta; minus strand). Cytogenetic location: 13q14.2.
Variant type: Microsatellite.
Coding change: c.91-246_91-245del on transcript NM_003850.3 (MANE Select); 246 bases into the intron before coding-DNA position 91 through 245 bases into the intron before coding-DNA position 91, 2 bases deleted (AT; older notation c.91-246_91-245delAT).
Molecular consequence: intron variant.
Genome position (GRCh38, 1-based): chr13:47,997,268-47,997,269, AT deleted on the plus strand (AT on the coding strand, the reverse complement: SUCLA2 is on the minus strand); deleting any 2 consecutive bases within chr13:47,997,268-47,997,271 gives the same sequence; the c. name uses the placement nearest the transcript's 3' end. VCF-style (leftmost placement, unchanged base first): chr13-47997267-CAT-C. GRCh37 (hg19) VCF-style: chr13-48571402-CAT-C.
Identifiers: ClinVar variation 672629 (VCV000672629.1), dbSNP rs34576990, ClinGen allele CA249281445.

ClinVar aggregate classification (germline): Benign (1 of 4 stars; one submission).

Submission:

GeneDx
Classification: Benign. Last evaluated: 2018-06-19. Review status: criteria provided, single submitter. Criteria: GeneDx Variant Classification (06012015). Collection method: clinical testing. Allele origin: germline. Affected: yes.
Comment: This variant is considered likely benign or benign based on one or more of the following criteria: it is a conservative change, it occurs at a poorly conserved position in the protein, it is predicted to be benign by multiple in silico algorithms, and/or has population frequency not consistent with disease.